The following is an entry in ClinVar:

ClinVar aggregate classification (germline): Conflicting classifications of pathogenicity. Review status: criteria provided, conflicting classifications (1 of 4 stars). 3 submissions from 3 submitters: Uncertain significance (2); Likely benign (1). Last evaluated 2025-04-28.

Conditions:
Inborn genetic diseases. Identifiers: MedGen C0950123, MeSH D030342.
Mucopolysaccharidosis type 1. Also called: IDUA deficiency; MPS I; Mucopolysaccharidosis Type I. Identifiers: Orphanet 579, MedGen C0023786, MONDO:0001586.

Allele frequency attached by ClinVar (database versions not stated): gnomAD exomes below 0.00001; 1000 Genomes Project 30x 0.00016.
gnomAD v4.1: 4 of 1,489,838 alleles (0.00027%); highest among the groups gnomAD compares: East Asian, 0.0083%; no homozygotes.

Submissions (3):

Labcorp Genetics (formerly Invitae), Labcorp
Classification: Uncertain significance for Mucopolysaccharidosis type 1. Last evaluated: 2025-04-28. Review status: criteria provided, single submitter. Criteria: Invitae Variant Classification Sherloc (09022015). Collection method: clinical testing. Allele origin: germline.
Comment: This sequence change replaces glycine, which is neutral and non-polar, with serine, which is neutral and polar, at codon 521 of the IDUA protein (p.Gly521Ser). The frequency data for this variant in the population databases is considered unreliable, as metrics indicate poor data quality at this position in the gnomAD database. This variant has not been reported in the literature in individuals affected with IDUA-related conditions. ClinVar contains an entry for this variant (Variation ID: 2418868). An algorithm developed to predict the effect of missense changes on protein structure and function outputs the following: PolyPhen-2: "Benign". The serine amino acid residue is found in multiple mammalian species, which suggests that this missense change does not adversely affect protein function. In summary, the available evidence is currently insufficient to determine the role of this variant in disease. Therefore, it has been classified as a Variant of Uncertain Significance.

Ambry Genetics
Classification: Likely benign for Inborn genetic diseases. Last evaluated: 2024-07-31. Review status: criteria provided, single submitter. Criteria: Ambry Variant Classification Scheme 2023. Collection method: clinical testing. Allele origin: germline.

GeneDx
Classification: Uncertain significance. Last evaluated: 2024-03-04. Review status: criteria provided, single submitter. Criteria: GeneDx Variant Classification Process June 2021. Collection method: clinical testing. Allele origin: germline. Affected: yes.
Comment: In silico analysis supports that this missense variant does not alter protein structure/function; Has not been previously published as pathogenic or benign to our knowledge

NM_000203.5(IDUA):c.1561G>A (p.Gly521Ser)

Gene: IDUA (alpha-L-iduronidase; plus strand). Cytogenetic location: 4p16.3.
Variant type: single nucleotide variant.
Coding change: c.1561G>A on transcript NM_000203.5 (MANE Select); coding-DNA position 1561, G replaced by A.
Protein change: p.Gly521Ser; replaces glycine 521 with serine.
Molecular consequence: missense variant. On other transcripts: non-coding transcript variant (1).
Genome position (GRCh38, 1-based): chr4:1,003,381, G>A. VCF-style: chr4-1003381-G-A. GRCh37 (hg19) VCF-style: chr4-997169-G-A.
Other names: c.1165G>A, p.Gly389Ser (NM_001363576.1); c.1561G>A (NM_000203.3); short protein forms G389S, G521S.
Identifiers: ClinVar variation 2418868 (VCV002418868.7), dbSNP rs1358581212, ClinGen allele CA355964966.